The following is an entry in ClinVar:

ClinVar aggregate classification (germline): Uncertain significance (1 of 4 stars; one submission).

Conditions:
Charcot-Marie-Tooth disease type 2. Also called: Charcot-Marie-Tooth type 2. Identifiers: Orphanet 64746, MedGen C0270914, MONDO:0018993.

Submission:

Labcorp Genetics (formerly Invitae), Labcorp
Classification: Uncertain significance for Charcot-Marie-Tooth disease type 2. Last evaluated: 2023-04-14. Review status: criteria provided, single submitter. Criteria: Invitae Variant Classification Sherloc (09022015). Collection method: clinical testing. Allele origin: germline.
Comment: In summary, the available evidence is currently insufficient to determine the role of this variant in disease. Therefore, it has been classified as a Variant of Uncertain Significance. Advanced modeling of protein sequence and biophysical properties (such as structural, functional, and spatial information, amino acid conservation, physicochemical variation, residue mobility, and thermodynamic stability) performed at Invitae indicates that this missense variant is not expected to disrupt KIF1B protein function. This variant has not been reported in the literature in individuals affected with KIF1B-related conditions. This variant is not present in population databases (gnomAD no frequency). This sequence change replaces leucine, which is neutral and non-polar, with tryptophan, which is neutral and slightly polar, at codon 786 of the KIF1B protein (p.Leu786Trp).

NM_001365951.3(KIF1B):c.2495T>G (p.Leu832Trp)

Gene: KIF1B (kinesin family member 1B; plus strand). Cytogenetic location: 1p36.22.
Variant type: single nucleotide variant.
Coding change: c.2495T>G on transcript NM_001365951.3 (MANE Select); coding-DNA position 2495, T replaced by G.
Protein change: p.Leu832Trp; replaces leucine 832 with tryptophan.
Molecular consequence: missense variant.
Genome position (GRCh38, 1-based): chr1:10,324,020, T>G. VCF-style: chr1-10324020-T-G. GRCh37 (hg19) VCF-style: chr1-10384078-T-G.
Other names: c.2495T>G, p.Leu832Trp (NM_001365952.1); c.2357T>G, p.Leu786Trp (NM_015074.3); short protein forms L832W, L786W.
Identifiers: ClinVar variation 2856157 (VCV002856157.3), dbSNP rs2521623209, ClinGen allele CA338334983.